The following is an entry in ClinVar:

NM_007272.3(CTRC):c.120C>G (p.Ser40Arg)

Gene: CTRC (chymotrypsin C; plus strand). Cytogenetic location: 1p36.21.
Variant type: single nucleotide variant.
Coding change: c.120C>G on transcript NM_007272.3 (MANE Select); coding-DNA position 120, C replaced by G.
Protein change: p.Ser40Arg; replaces serine 40 with arginine.
Molecular consequence: missense variant.
Genome position (GRCh38, 1-based): chr1:15,440,379, C>G. VCF-style: chr1-15440379-C-G. GRCh37 (hg19) VCF-style: chr1-15766875-C-G.
Other names: short protein forms S40R.
Identifiers: ClinVar variation 4008118 (VCV004008118.1).
Genomic context (GRCh38, chr1:15,440,379, plus strand): 5'-CAGCTTCCCGCCCAACCTATCCGCCCGAGTGGTGGGAGGAGAGGATGCCCGGCCCCACAG[C>G]TGGCCCTGGCAGGTAAGCCTGTGTAGGGCTGGGAGGTACAGATAGAGAGGGTGGCGGGGT-3'
Protein context (NP_009203.2, residues 30-50): VVGGEDARPH[Ser40Arg]WPWQISLQYL

ClinVar aggregate classification (germline): Uncertain significance (1 of 4 stars; one submission).

Conditions:
Hereditary pancreatitis (PCTT). Also called: Hereditary chronic pancreatitis; PRSS1-Related Hereditary Pancreatitis. Identifiers: Orphanet 676, MedGen C0238339, MONDO:0008185, OMIM 167800.

Submission:

Ambry Genetics
Classification: Uncertain significance for Hereditary pancreatitis. Last evaluated: 2025-04-07. Review status: criteria provided, single submitter. Criteria: Ambry Variant Classification Scheme 2023. Collection method: clinical testing. Allele origin: germline.
Comment: The p.S40R variant (also known as c.120C>G), located in coding exon 2 of the CTRC gene, results from a C to G substitution at nucleotide position 120. The serine at codon 40 is replaced by arginine, an amino acid with dissimilar properties. This amino acid position is conserved. In addition, this alteration is predicted to be deleterious by in silico analysis. Based on the available evidence, the clinical significance of this variant remains unclear.